The following is an entry in ClinVar:

ClinVar aggregate classification (germline): Conflicting classifications of pathogenicity. Review status: criteria provided, conflicting classifications (1 of 4 stars). 4 submissions from 4 submitters: Uncertain significance (1); Likely benign (3). Last evaluated 2025-12-09.

Conditions:
Autosomal dominant auditory neuropathy 1. Also called: AUDITORY NEUROPATHY, NONSYNDROMIC DOMINANT. Identifiers: Orphanet 90635, MedGen C1836743, MONDO:0012196, OMIM 609129.

Allele frequency attached by ClinVar (database versions not stated): ESP Exome Variant Server 0.00008; ExAC 0.00009; gnomAD 0.00010; gnomAD exomes 0.00012; TOPMed 0.00012; 1000 Genomes Project 30x 0.00016; 1000 Genomes Project 0.00020.
gnomAD v4.1: 189 of 1,613,396 alleles (0.012%); highest among the groups gnomAD compares: Non-Finnish European, 0.014%; no homozygotes.

Submissions (4):

Women's Health and Genetics/Laboratory Corporation of America, LabCorp
Classification: Likely benign. Last evaluated: 2025-12-09. Review status: criteria provided, single submitter. Criteria: LabCorp Variant Classification Summary - May 2015. Collection method: clinical testing. Allele origin: germline.
Comment: Variant summary: DIAPH3 c.626+14T>C alters a nucleotide located at a position not widely known to affect splicing. Consensus agreement among computation tools predict no significant impact on normal splicing. However, these predictions have yet to be confirmed by functional studies. The variant allele was found at a frequency of 6.8e-05 in 248950 control chromosomes. This frequency is not significantly higher than estimated for disease-causing variants in DIAPH3, allowing no conclusion about variant significance. To our knowledge, no occurrence of c.626+14T>C in individuals affected with DIAPH3-related conditions and no experimental evidence demonstrating its impact on protein function have been reported. ClinVar contains an entry for this variant (Variation ID: 2955832). Based on the evidence outlined above, the variant was classified as likely benign.

Institute of Human Genetics, University of Goettingen
Classification: Uncertain significance for Autosomal dominant auditory neuropathy 1. Last evaluated: 2024-03-21. Review status: criteria provided, single submitter. Criteria: ACMG Guidelines, 2015. Collection method: clinical testing. Allele origin: germline. Inheritance: Autosomal dominant inheritance. Affected: yes.

Blueprint Genetics
Classification: Likely benign. Last evaluated: 2024-02-29. Review status: criteria provided, single submitter. Criteria: ACMG Guidelines, 2015. Collection method: clinical testing. Allele origin: germline.

Labcorp Genetics (formerly Invitae), Labcorp
Classification: Likely benign. Last evaluated: 2023-11-24. Review status: criteria provided, single submitter. Criteria: Invitae Variant Classification Sherloc (09022015). Collection method: clinical testing. Allele origin: germline.

Literature cited by the submitters: PubMed 15520414 (cited by Institute of Human Genetics, University of Goettingen).

NM_001042517.2(DIAPH3):c.626+14T>C

Genes: DIAPH3 (diaphanous related formin 3; minus strand), DIAPH3-AS1 (DIAPH3 antisense RNA 1; plus strand). Cytogenetic location: 13q21.2.
Variant type: single nucleotide variant.
Coding change: c.626+14T>C on transcript NM_001042517.2 (MANE Select); 14 bases into the intron after coding-DNA position 626, T replaced by C.
Molecular consequence: intron variant.
Genome position (GRCh38, 1-based): chr13:60,042,676, A>G on the plus strand (T>C on the coding strand, the complement: DIAPH3 is on the minus strand). VCF-style: chr13-60042676-A-G. GRCh37 (hg19) VCF-style: chr13-60616810-A-G.
Other names: c.416+14T>C (NM_001258368.2); c.488+14T>C (NM_001258367.2); c.593+14T>C (NM_001258366.2); c.626+14T>C (NM_001258369.2).
Identifiers: ClinVar variation 2955832 (VCV002955832.6), dbSNP rs200774224, ClinGen allele CA6996967.